The following is an entry in ClinVar:

NM_000455.5(STK11):c.453C>G (p.Cys151Trp)

Gene: STK11 (serine/threonine kinase 11; plus strand). Cytogenetic location: 19p13.3.
Variant type: single nucleotide variant.
Coding change: c.453C>G on transcript NM_000455.5 (MANE Select); coding-DNA position 453, C replaced by G.
Protein change: p.Cys151Trp; replaces cysteine 151 with tryptophan.
Molecular consequence: missense variant.
Genome position (GRCh38, 1-based): chr19:1,219,402, C>G. VCF-style: chr19-1219402-C-G. GRCh37 (hg19) VCF-style: chr19-1219401-C-G.
Other names: c.453C>G, p.Cys151Trp (NM_001407255.1); short protein forms C151W.
Identifiers: ClinVar variation 1741326 (VCV001741326.2), dbSNP rs786201510, ClinGen allele CA402948368.
Genomic context (GRCh38, chr19:1,219,402, plus strand): 5'-CTGCGTGTGTGGCATGCAGGAAATGCTGGACAGCGTGCCGGAGAAGCGTTTCCCAGTGTG[C>G]CAGGCCCACGGGTGCGTGCGCGGGGCAGGGGCCAGGGTGGGGCGGGGGCCGGGGGCCAGG-3'
Protein context (NP_000446.1, residues 141-161): DSVPEKRFPV[Cys151Trp]QAHGYFCQLI

ClinVar aggregate classification (germline): Uncertain significance (1 of 4 stars; one submission).

Conditions:
Hereditary cancer-predisposing syndrome. Also called: Hereditary Cancer Syndrome; Hereditary neoplastic syndrome; Neoplastic Syndromes, Hereditary; Tumor predisposition. Identifiers: Orphanet 140162, MedGen C0027672, MeSH D009386, MONDO:0015356.

Allele frequency attached by ClinVar (database versions not stated): gnomAD exomes below 0.00001.
gnomAD v4.1: 1 of 1,590,354 alleles (0.000063%); highest among the groups gnomAD compares: Non-Finnish European, 0.000086%; no homozygotes.

Submission:

Ambry Genetics
Classification: Uncertain significance for Hereditary cancer-predisposing syndrome. Last evaluated: 2021-09-07. Review status: criteria provided, single submitter. Criteria: Ambry Variant Classification Scheme 2023. Collection method: clinical testing. Allele origin: germline.
Comment: The p.C151W variant (also known as c.453C>G), located in coding exon 3 of the STK11 gene, results from a C to G substitution at nucleotide position 453. The cysteine at codon 151 is replaced by tryptophan, an amino acid with highly dissimilar properties. This amino acid position is not well conserved in available vertebrate species. In addition, this alteration is predicted to be tolerated by in silico analysis. Since supporting evidence is limited at this time, the clinical significance of this alteration remains unclear.